The following is an entry in ClinVar:

ClinVar aggregate classification (germline): Benign/Likely benign. Review status: criteria provided, multiple submitters, no conflicts (2 of 4 stars). 3 submissions from 3 submitters: Benign (2); Likely benign (1). Last evaluated 2026-01-21.

Conditions:
AR-related disorder. Also called: AR-related condition.
Androgen resistance syndrome (AIS). Also called: TESTICULAR FEMINIZATION SYNDROME; Androgen insensitivity, complete; Androgen insensitivity; Androgen insensitivity syndrome due to coactivator deficiency; ANDROGEN RECEPTOR DEFICIENCY; DIHYDROTESTOSTERONE RECEPTOR DEFICIENCY. Identifiers: Orphanet 754, Orphanet 99429, MedGen C0039585, MONDO:0019154, OMIM 300068. Disease mechanism: loss of function.
Kennedy disease (SMAX1). Also called: KENNEDY SPINAL AND BULBAR MUSCULAR ATROPHY; SPINAL AND BULBAR MUSCULAR ATROPHY, X-LINKED 1; Spinal and Bulbar Muscular Atrophy. Identifiers: Orphanet 481, MedGen C1839259, MONDO:0010735, OMIM 313200.

Allele frequency attached by ClinVar (database versions not stated): gnomAD exomes 0.00032 and 0.00086; ExAC 0.00126; 1000 Genomes Project 30x 0.00312; ESP Exome Variant Server 0.00312; gnomAD 0.00312 and 0.00327; 1000 Genomes Project 0.00318; TOPMed 0.00380.
gnomAD v4.1: 721 of 1,209,202 alleles (0.06%); highest among the groups gnomAD compares: African/African-American, 1.1%; 3 homozygotes.

Submissions (3):

Labcorp Genetics (formerly Invitae), Labcorp
Classification: Benign for Kennedy disease; Androgen resistance syndrome. Last evaluated: 2026-01-21. Review status: criteria provided, single submitter. Criteria: Invitae Variant Classification Sherloc (09022015). Collection method: clinical testing. Allele origin: germline.

PreventionGenetics, part of Exact Sciences
Classification: Likely benign for AR-related condition. Last evaluated: 2025-10-13. Review status: criteria provided, single submitter. Criteria: ACMG Guidelines, 2015. Collection method: clinical testing. Allele origin: germline.
Comment: This variant is classified as likely benign based on ACMG/AMP sequence variant interpretation guidelines (Richards et al. 2015 PMID: 25741868, with internal and published modifications).

Breakthrough Genomics
Classification: Benign. Review status: criteria provided, single submitter. Criteria: ACMG Guidelines, 2015. Collection method: not provided. Allele origin: germline. Inheritance: X-linked inheritance. Affected: yes.

NM_000044.6(AR):c.1743G>A (p.Lys581=)

Gene: AR (androgen receptor; plus strand). Cytogenetic location: Xq12.
Variant type: single nucleotide variant.
Coding change: c.1743G>A on transcript NM_000044.6 (MANE Select); coding-DNA position 1743, G replaced by A.
Protein change: p.Lys581=; no amino-acid change (lysine 581 retained).
Molecular consequence: synonymous variant. On other transcripts: intron variant (1).
Genome position (GRCh38, 1-based): chrX:67,643,382, G>A. VCF-style: chrX-67643382-G-A. GRCh37 (hg19) VCF-style: chrX-66863224-G-A.
Other names: c.147G>A, p.Lys49= (NM_001011645.3); c.1743G>A, p.Lys581= (NM_001348061.1, NM_001348063.1); c.1617-42559G>A (NM_001348064.1); c.1743G>A (NM_000044.3).
Identifiers: ClinVar variation 1636400 (VCV001636400.10), dbSNP rs6154, ClinGen allele CA10436501.
Genomic context (GRCh38, chrX:67,643,382, plus strand): 5'-GATCTGTGGAGATGAAGCTTCTGGGTGTCACTATGGAGCTCTCACATGTGGAAGCTGCAA[G>A]GTCTTCTTCAAAAGAGCCGCTGAAGGTAAAGGGTCTTGCACATGCACTTCTCTTTCCCTT-3'
Protein context (NP_000035.2, residues 571-591): HYGALTCGSC[Lys581=]VFFKRAAEGK